The following is an entry in ClinVar:

NM_002485.5(NBN):c.172-5_172-4del

Gene: NBN (nibrin; minus strand). Cytogenetic location: 8q21.3.
Variant type: Deletion.
Coding change: c.172-5_172-4del on transcript NM_002485.5 (MANE Select); 5 bases into the intron before coding-DNA position 172 through 4 bases into the intron before coding-DNA position 172, 2 bases deleted (TT; older notation c.172-5_172-4delTT).
Molecular consequence: intron variant.
Genome position (GRCh38, 1-based): chr8:89,981,527-89,981,528, AA deleted on the plus strand (TT on the coding strand, the reverse complement: NBN is on the minus strand); deleting any 2 consecutive bases within chr8:89,981,527-89,981,530 gives the same sequence; the c. name uses the placement nearest the transcript's 3' end. VCF-style (leftmost placement, unchanged base first): chr8-89981526-GAA-G. GRCh37 (hg19) VCF-style: chr8-90993754-GAA-G.
Other names: c.-75-5_-75-4del (NM_001024688.3).
Identifiers: ClinVar variation 2029843 (VCV002029843.4), dbSNP rs2488361810, ClinGen allele CA2580079237.

ClinVar aggregate classification (germline): Uncertain significance (1 of 4 stars; one submission).

Conditions:
Microcephaly, normal intelligence and immunodeficiency (NBS). Also called: SEEMANOVA SYNDROME II; BERLIN BREAKAGE SYNDROME; Nijmegen breakage syndrome; Microcephaly with normal intelligence immunodeficiency and lymphoreticular malignancies; Nonsyndromal microcephaly autosomal recessive with normal intelligence; Seemanova syndrome 2. Identifiers: Orphanet 647, MedGen C0398791, MONDO:0009623, OMIM 251260.

Submission:

Labcorp Genetics (formerly Invitae), Labcorp
Classification: Uncertain significance for Microcephaly, normal intelligence and immunodeficiency. Last evaluated: 2022-09-26. Review status: criteria provided, single submitter. Criteria: Invitae Variant Classification Sherloc (09022015). Collection method: clinical testing. Allele origin: germline.
Comment: This variant is not present in population databases (gnomAD no frequency). This sequence change falls in intron 2 of the NBN gene. It does not directly change the encoded amino acid sequence of the NBN protein. This variant has not been reported in the literature in individuals affected with NBN-related conditions. Algorithms developed to predict the effect of sequence changes on RNA splicing suggest that this variant may disrupt the consensus splice site. In summary, the available evidence is currently insufficient to determine the role of this variant in disease. Therefore, it has been classified as a Variant of Uncertain Significance.